The following is an entry in ClinVar:

NM_003072.5(SMARCA4):c.2055G>A (p.Glu685=)

Gene: SMARCA4 (SWI/SNF related BAF chromatin remodeling complex subunit ATPase 4; plus strand). Cytogenetic location: 19p13.2.
Variant type: single nucleotide variant.
Coding change: c.2055G>A on transcript NM_003072.5 (MANE Select); coding-DNA position 2055, G replaced by A.
Protein change: p.Glu685=; no amino-acid change (glutamic acid 685 retained).
Molecular consequence: synonymous variant. On other transcripts: non-coding transcript variant (1).
Genome position (GRCh38, 1-based): chr19:11,007,955, G>A. VCF-style: chr19-11007955-G-A. GRCh37 (hg19) VCF-style: chr19-11118631-G-A.
Other names: c.2055G>A, p.Glu685= (NM_001128844.3, NM_001128845.2, NM_001128846.2 and 4 more transcripts).
Identifiers: ClinVar variation 820610 (VCV000820610.12), dbSNP rs1600167991, ClinGen allele CA505486779.
Genomic context (GRCh38, chr19:11,007,955, plus strand): 5'-TTGGTAGGAGGAGGAGGAAGAGCAGCCGCAGGCAGCACAGCCTCCCACCCTGCCCGTGGA[G>A]GAGAAGAAGAAGATTCCAGATCCAGACAGCGATGACGTCTCTGAGGTGGACGCGCGGCAC-3'
Protein context (NP_003063.2, residues 675-695): QAAQPPTLPV[Glu685=]EKKKIPDPDS

ClinVar aggregate classification (germline): Likely benign. Review status: criteria provided, multiple submitters, no conflicts (2 of 4 stars). 2 submissions from 2 submitters: Likely benign (2). Last evaluated 2025-08-01.

Conditions:
Hereditary cancer-predisposing syndrome. Also called: Tumor predisposition; Hereditary neoplastic syndrome; Neoplastic Syndromes, Hereditary; Hereditary Cancer Syndrome. Identifiers: Orphanet 140162, MedGen C0027672, MeSH D009386, MONDO:0015356.

Submissions (2):

CeGaT Center for Human Genetics Tuebingen
Classification: Likely benign. Last evaluated: 2025-08-01. Review status: criteria provided, single submitter. Criteria: CeGaT Center For Human Genetics Tuebingen Variant Classification Criteria Version 2. Collection method: clinical testing. Allele origin: germline. Affected: yes. Observed: 1 variant allele.
Comment: SMARCA4: PM2:Supporting, BP4, BP7

Ambry Genetics
Classification: Likely benign for Hereditary cancer-predisposing syndrome. Last evaluated: 2019-11-21. Review status: criteria provided, single submitter. Criteria: Ambry Variant Classification Scheme 2023. Collection method: clinical testing. Allele origin: germline.